The following is an entry in ClinVar:

NM_001378902.1(ROS1):c.2796A>C (p.Pro932=)

Gene: ROS1 (ROS proto-oncogene 1, receptor tyrosine kinase; minus strand). Cytogenetic location: 6q22.1.
Variant type: single nucleotide variant.
Coding change: c.2796A>C on transcript NM_001378902.1 (MANE Select); coding-DNA position 2796, A replaced by C.
Protein change: p.Pro932=; no amino-acid change (proline 932 retained).
Molecular consequence: synonymous variant.
Genome position (GRCh38, 1-based): chr6:117,366,077, T>G on the plus strand (A>C on the coding strand, the complement: ROS1 is on the minus strand). VCF-style: chr6-117366077-T-G. GRCh37 (hg19) VCF-style: chr6-117687240-T-G.
Other names: NC_000006.11:g.117687240T>G; c.2799A>C, p.Pro933= (NM_001378891.1); c.2811A>C, p.Pro937= (NM_002944.3).
Identifiers: ClinVar variation 3040207 (VCV003040207.3), dbSNP rs544918243, ClinGen allele CA3975184.
Genomic context (GRCh38, chr6:117,366,077, plus strand): 5'-AAACATTTATTTAACTGAAGGTATAGTGGAGTAGGGTAAGCAGGAATGAAATACTGTACC[T>G]GGCAGGGGCTTAAGGGATGTCTGAATAATTGTGAACTGATTAAATCTGGCTGGTTCCAAA-3'
Protein context (NP_001365831.1, residues 922-942): TIIQTSLKPL[Pro932=]GNFSFTPKVI

ClinVar aggregate classification (germline): Likely benign (0 of 4 stars; one submission).

Conditions:
ROS1-related disorder. Also called: ROS1-related condition.

Allele frequency attached by ClinVar (database versions not stated): gnomAD 0.00019; 1000 Genomes Project 30x 0.00031; 1000 Genomes Project 0.00040.
gnomAD v4.1: 584 of 1,610,510 alleles (0.036%); highest among the groups gnomAD compares: South Asian, 0.15%; 4 homozygotes.

Submissions (2):

PreventionGenetics, part of Exact Sciences
Classification: Likely benign for ROS1-related condition. Last evaluated: 2021-01-20. Review status: no assertion criteria provided. Collection method: clinical testing. Allele origin: germline.
Comment: This variant is classified as likely benign based on ACMG/AMP sequence variant interpretation guidelines (Richards et al. 2015 PMID: 25741868, with internal and published modifications).

Dr. Peter K. Rogan Lab, Western University
No classification provided (evidence only). Condition: Lung cancer. Review status: no classification provided. Collection method: in vitro. Allele origin: not applicable. Functional consequence: skipped exon. Not counted in ClinVar's aggregate classification.